The following is an entry in ClinVar:

ClinVar aggregate classification (germline): Likely benign (1 of 4 stars; one submission).

gnomAD v4.1: 12 of 1,612,078 alleles (0.00074%); highest among the groups gnomAD compares: East Asian, 0.0022%; no homozygotes.

Submission:

CeGaT Center for Human Genetics Tuebingen
Classification: Likely benign. Last evaluated: 2025-09-01. Review status: criteria provided, single submitter. Criteria: CeGaT Center For Human Genetics Tuebingen Variant Classification Criteria Version 2. Collection method: clinical testing. Allele origin: germline. Affected: yes. Observed: 1 variant allele.
Comment: SHANK2: BP4, BP7

NM_012309.5(SHANK2):c.2421G>A (p.Pro807=)

Gene: SHANK2 (SH3 and multiple ankyrin repeat domains 2; minus strand). Cytogenetic location: 11q13.3.
Variant type: single nucleotide variant.
Coding change: c.2421G>A on transcript NM_012309.5 (MANE Select); coding-DNA position 2421, G replaced by A.
Protein change: p.Pro807=; no amino-acid change (proline 807 retained).
Molecular consequence: synonymous variant. On other transcripts: non-coding transcript variant (1).
Genome position (GRCh38, 1-based): chr11:70,492,353, C>T on the plus strand (G>A on the coding strand, the complement: SHANK2 is on the minus strand). VCF-style: chr11-70492353-C-T. GRCh37 (hg19) VCF-style: chr11-70338458-C-T.
Other names: c.2562G>A, p.Pro854= (NM_001441024.1); c.2391G>A, p.Pro797= (NM_001441025.1, NM_001441026.1, NM_001441027.1 and 11 more transcripts); c.2319G>A, p.Pro773= (NM_001441038.1); c.1254G>A, p.Pro418= (NM_001441040.1, NM_001441041.1); c.648G>A, p.Pro216= (NM_001441042.1); c.657G>A, p.Pro219= (NM_001441043.1, NM_133266.5); c.627G>A, p.Pro209= (NM_001441044.1, NM_001441045.1, NM_001441046.1); c.546G>A, p.Pro182= (NM_001441047.1); and 1 more.
Identifiers: ClinVar variation 4280735 (VCV004280735.7).